The following is an entry in ClinVar:

NM_004999.4(MYO6):c.3823dup (p.Tyr1275fs)

Gene: MYO6 (myosin VI; plus strand). Cytogenetic location: 6q14.1.
Variant type: Duplication.
Coding change: c.3823dup on transcript NM_004999.4 (MANE Select); coding-DNA position 3823, one base duplicated (T; older notation c.3823dupT).
Protein change: p.Tyr1275fs; shifts the reading frame from tyrosine 1275.
Molecular consequence: frameshift variant. On other transcripts: non-coding transcript variant (1).
Genome position (GRCh38, 1-based): chr6:75,914,977, T duplicated. VCF-style (leftmost placement, unchanged base first): chr6-75914976-C-CT. GRCh37 (hg19) VCF-style: chr6-76624693-C-CT.
Other names: c.3754dup, p.Tyr1252fs (NM_001300899.2); c.3727dup, p.Tyr1243fs (NM_001368136.1); c.3784dup, p.Tyr1262fs (NM_001368137.1); c.3739dup, p.Tyr1247fs (NM_001368138.1); c.3850dup, p.Tyr1284fs (NM_001368865.1); c.3823dup, p.Tyr1275fs (NM_001368866.1); short protein forms Y1243fs, Y1247fs, Y1252fs, Y1262fs, Y1275fs, Y1284fs.
Identifiers: ClinVar variation 1677938 (VCV001677938.25), dbSNP rs746038889, ClinGen allele CA3897822.
Genomic context (GRCh38, chr6:75,914,976, plus strand): 5'-ACGCTGTGGAGGCATCCAGTACCTTCAGAATGCGATTGAGAGCAGACAGGCTCGGCCCAC[C>CT]TATGCAACAGCCATGCTGCAGAGTCTGTTAAAGTAGATGTTGCACACCAGCCTTACAGCT-3'

ClinVar aggregate classification (germline): Uncertain significance. Review status: criteria provided, multiple submitters, no conflicts (2 of 4 stars). 2 submissions from 2 submitters: Uncertain significance (2). Last evaluated 2023-01-01.

Allele frequency attached by ClinVar (database versions not stated): ExAC 0.00001; gnomAD 0.00001; gnomAD exomes 0.00001; TOPMed 0.00001.

Submissions (2):

CeGaT Center for Human Genetics Tuebingen
Classification: Uncertain significance. Last evaluated: 2023-01-01. Review status: criteria provided, single submitter. Criteria: CeGaT Center For Human Genetics Tuebingen Variant Classification Criteria Version 2. Collection method: clinical testing. Allele origin: germline. Affected: yes. Observed: 1 variant allele.
Comment: MYO6: PVS1:Strong

AiLife Diagnostics
Classification: Uncertain significance. Last evaluated: 2022-02-17. Review status: criteria provided, single submitter. Criteria: ACMG Guidelines, 2015. Collection method: clinical testing. Allele origin: germline. Affected: yes. Observed: 1 variant allele.